The following is an entry in ClinVar:

NM_021978.4(ST14):c.1729G>A (p.Gly577Arg)

Gene: ST14 (ST14 transmembrane serine protease matriptase; plus strand). Cytogenetic location: 11q24.3.
Variant type: single nucleotide variant.
Coding change: c.1729G>A on transcript NM_021978.4 (MANE Select); coding-DNA position 1729, G replaced by A.
Protein change: p.Gly577Arg; replaces glycine 577 with arginine.
Molecular consequence: missense variant.
Genome position (GRCh38, 1-based): chr11:130,198,991, G>A. VCF-style: chr11-130198991-G-A. GRCh37 (hg19) VCF-style: chr11-130068886-G-A.
Other names: short protein forms G577R.
Identifiers: ClinVar variation 781053 (VCV000781053.10), dbSNP rs115956340, ClinGen allele CA6364189.

ClinVar aggregate classification (germline): Benign. Review status: criteria provided, single submitter (1 of 4 stars). 2 submissions from 2 submitters: Benign (1). 1 of the submissions does not count toward it. Last evaluated 2025-02-12.

Conditions:
ST14-related disorder. Also called: ST14-related condition.

Allele frequency attached by ClinVar (database versions not stated): gnomAD exomes 0.00035 and 0.00091; ExAC 0.00101; ESP Exome Variant Server 0.00416; 1000 Genomes Project 0.00419; gnomAD 0.00423 and 0.00446; TOPMed 0.00461; 1000 Genomes Project 30x 0.00625.
gnomAD v4.1: 1,184 of 1,614,098 alleles (0.073%); highest among the groups gnomAD compares: African/African-American, 1.4%; 16 homozygotes.

Submissions (2):

Labcorp Genetics (formerly Invitae), Labcorp
Classification: Benign. Last evaluated: 2025-02-12. Review status: criteria provided, single submitter. Criteria: Invitae Variant Classification Sherloc (09022015). Collection method: clinical testing. Allele origin: germline.

PreventionGenetics, part of Exact Sciences
Classification: Benign for ST14-related condition. Last evaluated: 2020-07-14. Review status: no assertion criteria provided. Collection method: clinical testing. Allele origin: germline. Not counted in ClinVar's aggregate classification.
Comment: This variant is classified as benign based on ACMG/AMP sequence variant interpretation guidelines (Richards et al. 2015 PMID: 25741868, with internal and published modifications).